The following is an entry in ClinVar:

ClinVar aggregate classification (germline): Uncertain significance (1 of 4 stars; one submission).

gnomAD v4.1: 12 of 1,612,942 alleles (0.00074%); highest among the groups gnomAD compares: African/African-American, 0.016%; no homozygotes.

Submission:

Labcorp Genetics (formerly Invitae), Labcorp
Classification: Uncertain significance. Last evaluated: 2024-05-03. Review status: criteria provided, single submitter. Criteria: Invitae Variant Classification Sherloc (09022015). Collection method: clinical testing. Allele origin: germline.
Comment: This sequence change replaces glycine, which is neutral and non-polar, with arginine, which is basic and polar, at codon 926 of the GUCY2C protein (p.Gly926Arg). This variant also falls at the last nucleotide of exon 23, which is part of the consensus splice site for this exon. This variant is present in population databases (rs138750508, gnomAD 0.03%). This variant has not been reported in the literature in individuals affected with GUCY2C-related conditions. An algorithm developed to predict the effect of missense changes on protein structure and function (PolyPhen-2) suggests that this variant is likely to be disruptive. Variants that disrupt the consensus splice site are a relatively common cause of aberrant splicing (PMID: 17576681, 9536098). Algorithms developed to predict the effect of sequence changes on RNA splicing suggest that this variant may disrupt the consensus splice site. In summary, the available evidence is currently insufficient to determine the role of this variant in disease. Therefore, it has been classified as a Variant of Uncertain Significance.

Literature cited by the submitters: PubMed 17576681; PubMed 9536098.

NM_004963.4(GUCY2C):c.2776G>C (p.Gly926Arg)

Gene: GUCY2C (guanylate cyclase 2C; minus strand). Cytogenetic location: 12p12.3.
Variant type: single nucleotide variant.
Coding change: c.2776G>C on transcript NM_004963.4 (MANE Select); coding-DNA position 2776, G replaced by C.
Protein change: p.Gly926Arg; replaces glycine 926 with arginine.
Molecular consequence: missense variant.
Genome position (GRCh38, 1-based): chr12:14,621,042, C>G on the plus strand (G>C on the coding strand, the complement: GUCY2C is on the minus strand). VCF-style: chr12-14621042-C-G. GRCh37 (hg19) VCF-style: chr12-14773976-C-G.
Other names: short protein forms G926R.
Identifiers: ClinVar variation 3609188 (VCV003609188.2).